The following is an entry in ClinVar:

NM_003737.4(DCHS1):c.3592C>T (p.His1198Tyr)

Gene: DCHS1 (dachsous cadherin-related 1; minus strand). Cytogenetic location: 11p15.4.
Variant type: single nucleotide variant.
Coding change: c.3592C>T on transcript NM_003737.4 (MANE Select); coding-DNA position 3592, C replaced by T.
Protein change: p.His1198Tyr; replaces histidine 1198 with tyrosine.
Molecular consequence: missense variant.
Genome position (GRCh38, 1-based): chr11:6,631,699, G>A on the plus strand (C>T on the coding strand, the complement: DCHS1 is on the minus strand). VCF-style: chr11-6631699-G-A. GRCh37 (hg19) VCF-style: chr11-6652930-G-A.
Other names: short protein forms H1198Y.
Identifiers: ClinVar variation 4738689 (VCV004738689.1).

ClinVar aggregate classification (germline): Uncertain significance (1 of 4 stars; one submission).

Submission:

Labcorp Genetics (formerly Invitae), Labcorp
Classification: Uncertain significance. Last evaluated: 2025-04-22. Review status: criteria provided, single submitter. Criteria: Invitae Variant Classification Sherloc (09022015). Collection method: clinical testing. Allele origin: germline.
Comment: This sequence change replaces histidine, which is basic and polar, with tyrosine, which is neutral and polar, at codon 1198 of the DCHS1 protein (p.His1198Tyr). This variant is not present in population databases (gnomAD no frequency). This variant has not been reported in the literature in individuals affected with DCHS1-related conditions. Invitae Evidence Modeling of protein sequence and biophysical properties (such as structural, functional, and spatial information, amino acid conservation, physicochemical variation, residue mobility, and thermodynamic stability) indicates that this missense variant is not expected to disrupt DCHS1 protein function with a negative predictive value of 80%. In summary, the available evidence is currently insufficient to determine the role of this variant in disease. Therefore, it has been classified as a Variant of Uncertain Significance.